The following is an entry in ClinVar:

ClinVar aggregate classification (germline): Pathogenic (1 of 4 stars; one submission).

Conditions:
Neurofibromatosis, type 1 (NF1). Also called: Peripheral type neurofibromatosis; VON RECKLINGHAUSEN DISEASE; Neurofibromatosis, type I; NEUROFIBROMATOSIS, TYPE I, SOMATIC. Identifiers: Orphanet 636, MedGen C0027831, MONDO:0018975, OMIM 162200. Disease mechanism: loss of function.

Submission:

Labcorp Genetics (formerly Invitae), Labcorp
Classification: Pathogenic for Neurofibromatosis, type 1. Last evaluated: 2021-05-21. Review status: criteria provided, single submitter. Criteria: Invitae Variant Classification Sherloc (09022015). Collection method: clinical testing. Allele origin: germline.
Comment: For these reasons, this variant has been classified as Pathogenic. Loss-of-function variants in NF1 are known to be pathogenic (PMID: 10712197, 23913538). This variant has been observed in individual(s) with clinical features of neurofibromatosis type 1 (Invitae). This variant is not present in population databases (ExAC no frequency). This sequence change creates a premature translational stop signal (p.Thr2087Asnfs*12) in the NF1 gene. It is expected to result in an absent or disrupted protein product.

Literature cited by the submitters: PubMed 10712197; PubMed 23913538.

NM_001042492.3(NF1):c.6322dup (p.Thr2108fs)

Gene: NF1 (neurofibromin 1; plus strand). Cytogenetic location: 17q11.2.
Variant type: Duplication.
Coding change: c.6322dup on transcript NM_001042492.3 (MANE Select); coding-DNA position 6322, one base duplicated (A; older notation c.6322dupA).
Protein change: p.Thr2108fs; shifts the reading frame from threonine 2108.
Molecular consequence: frameshift variant.
Genome position (GRCh38, 1-based): chr17:31,336,809, A duplicated. VCF-style (leftmost placement, unchanged base first): chr17-31336808-T-TA. GRCh37 (hg19) VCF-style: chr17-29663826-T-TA.
Other names: c.6259dup, p.Thr2087Asnfs (NM_000267.4); short protein forms T2108fs, T2087fs.
Identifiers: ClinVar variation 844156 (VCV000844156.6), dbSNP rs2069687965, ClinGen allele CA916080668.